The following is an entry in ClinVar:

NM_003119.4(SPG7):c.2182-816G>C

Gene: SPG7 (SPG7 matrix AAA peptidase subunit, paraplegin; plus strand). Cytogenetic location: 16q24.3.
Variant type: single nucleotide variant.
Coding change: c.2182-816G>C on transcript NM_003119.4 (MANE Select); 816 bases into the intron before coding-DNA position 2182, G replaced by C.
Molecular consequence: intron variant. On other transcripts: missense variant (1).
Genome position (GRCh38, 1-based): chr16:89,556,071, G>C. VCF-style: chr16-89556071-G-C. GRCh37 (hg19) VCF-style: chr16-89622479-G-C.
Other names: c.2375G>C, p.Gly792Ala (NM_001363850.1); short protein forms G792A.
Identifiers: ClinVar variation 4984109 (VCV004984109.1).

ClinVar aggregate classification (germline): Likely benign (1 of 4 stars; one submission).

Conditions:
SPG7-related disorder. Also called: SPG7-related condition.

gnomAD v4.1: 239 of 398,808 alleles (0.06%); highest among the groups gnomAD compares: Non-Finnish European, 0.089%; no homozygotes.

Submission:

PreventionGenetics, part of Exact Sciences
Classification: Likely benign for SPG7-related condition. Last evaluated: 2025-01-31. Review status: criteria provided, single submitter. Criteria: ACMG Guidelines, 2015. Collection method: clinical testing. Allele origin: germline.
Comment: This variant is classified as likely benign based on ACMG/AMP sequence variant interpretation guidelines (Richards et al. 2015 PMID: 25741868, with internal and published modifications).